The following is an entry in ClinVar:

ClinVar aggregate classification (germline): Uncertain significance (1 of 4 stars; one submission).

gnomAD v4.1: 1 of 1,164,765 alleles (0.000086%); no homozygotes.

Submission:

GeneDx
Classification: Uncertain significance. Last evaluated: 2025-06-23. Review status: criteria provided, single submitter. Criteria: GeneDx Variant Classification Process June 2021. Collection method: clinical testing. Allele origin: germline. Affected: yes.
Comment: Not observed at significant frequency in large population cohorts (gnomAD); In silico analysis indicates that this missense variant does not alter protein structure/function; Has not been previously published as pathogenic or benign to our knowledge

NM_001368397.1(FRMPD4):c.550G>A (p.Val184Ile)

Gene: FRMPD4 (FERM and PDZ domain containing 4; plus strand). Cytogenetic location: Xp22.2.
Variant type: single nucleotide variant.
Coding change: c.550G>A on transcript NM_001368397.1 (MANE Select); coding-DNA position 550, G replaced by A.
Protein change: p.Val184Ile; replaces valine 184 with isoleucine.
Molecular consequence: missense variant.
Genome position (GRCh38, 1-based): chrX:12,683,564, G>A. VCF-style: chrX-12683564-G-A. GRCh37 (hg19) VCF-style: chrX-12701683-G-A.
Other names: c.661G>A, p.Val221Ile (NM_001368395.3, NM_001368398.3); c.556G>A, p.Val186Ile (NM_001368396.3); c.541G>A, p.Val181Ile (NM_001368399.3); c.430G>A, p.Val144Ile (NM_001368400.3); c.526G>A, p.Val176Ile (NM_001368401.1, NM_001368402.3); c.550G>A, p.Val184Ile (NM_014728.3); short protein forms V144I, V176I, V181I, V184I, V186I, V221I.
Identifiers: ClinVar variation 3600891 (VCV003600891.2).